The following is an entry in ClinVar:

NM_000322.5(PRPH2):c.542G>T (p.Ser181Ile)

Gene: PRPH2 (peripherin 2; minus strand). Cytogenetic location: 6p21.1.
Variant type: single nucleotide variant.
Coding change: c.542G>T on transcript NM_000322.5 (MANE Select); coding-DNA position 542, G replaced by T.
Protein change: p.Ser181Ile; replaces serine 181 with isoleucine.
Molecular consequence: missense variant.
Genome position (GRCh38, 1-based): chr6:42,721,793, C>A on the plus strand (G>T on the coding strand, the complement: PRPH2 is on the minus strand). VCF-style: chr6-42721793-C-A. GRCh37 (hg19) VCF-style: chr6-42689531-C-A.
Other names: short protein forms S181I.
Identifiers: ClinVar variation 2704887 (VCV002704887.3), dbSNP rs2152010878, ClinGen allele CA364137317.

ClinVar aggregate classification (germline): Uncertain significance (1 of 4 stars; one submission).

Conditions:
PRPH2-related disorder. Also called: PRPH2-related condition; PRPH2-related disorders. Identifiers: MedGen CN239395.

Submission:

Labcorp Genetics (formerly Invitae), Labcorp
Classification: Uncertain significance for PRPH2-related disorder. Last evaluated: 2023-12-22. Review status: criteria provided, single submitter. Criteria: Invitae Variant Classification Sherloc (09022015). Collection method: clinical testing. Allele origin: germline.
Comment: This sequence change replaces serine, which is neutral and polar, with isoleucine, which is neutral and non-polar, at codon 181 of the PRPH2 protein (p.Ser181Ile). This variant is not present in population databases (gnomAD no frequency). This variant has not been reported in the literature in individuals affected with PRPH2-related conditions. Advanced modeling of protein sequence and biophysical properties (such as structural, functional, and spatial information, amino acid conservation, physicochemical variation, residue mobility, and thermodynamic stability) performed at Invitae indicates that this missense variant is expected to disrupt PRPH2 protein function with a positive predictive value of 95%. In summary, the available evidence is currently insufficient to determine the role of this variant in disease. Therefore, it has been classified as a Variant of Uncertain Significance.